The following is an entry in ClinVar:

NM_014053.4(FLVCR1):c.186A>G (p.Gly62=)

Genes: FLVCR1 (FLVCR choline and heme transporter 1; plus strand), LOC129932486 (ATAC-STARR-seq lymphoblastoid silent region 1807; plus strand). Cytogenetic location: 1q32.3.
Variant type: single nucleotide variant.
Coding change: c.186A>G on transcript NM_014053.4 (MANE Select); coding-DNA position 186, A replaced by G.
Protein change: p.Gly62=; no amino-acid change (glycine 62 retained).
Molecular consequence: synonymous variant.
Genome position (GRCh38, 1-based): chr1:212,858,638, A>G. VCF-style: chr1-212858638-A-G. GRCh37 (hg19) VCF-style: chr1-213031980-A-G.
Other names: c.186A>G (NM_014053.3).
Identifiers: ClinVar variation 1629538 (VCV001629538.9), dbSNP rs994628221, ClinGen allele CA36896653.

ClinVar aggregate classification (germline): Likely benign. Review status: criteria provided, multiple submitters, no conflicts (2 of 4 stars). 2 submissions from 2 submitters: Likely benign (2). Last evaluated 2025-11-16.

Conditions:
FLVCR1-related disorder. Also called: FLVCR1-related condition.

Allele frequency attached by ClinVar (database versions not stated): gnomAD exomes below 0.00001 and 0.00001; gnomAD 0.00005 and 0.00007; TOPMed 0.00008; 1000 Genomes Project 30x 0.00047.
gnomAD v4.1: 16 of 1,536,832 alleles (0.001%); highest among the groups gnomAD compares: African/African-American, 0.015%; no homozygotes.

Submissions (2):

Labcorp Genetics (formerly Invitae), Labcorp
Classification: Likely benign. Last evaluated: 2025-11-16. Review status: criteria provided, single submitter. Criteria: Invitae Variant Classification Sherloc (09022015). Collection method: clinical testing. Allele origin: germline.

PreventionGenetics, part of Exact Sciences
Classification: Likely benign for FLVCR1-related condition. Last evaluated: 2025-05-14. Review status: criteria provided, single submitter. Criteria: ACMG Guidelines, 2015. Collection method: clinical testing. Allele origin: germline.
Comment: This variant is classified as likely benign based on ACMG/AMP sequence variant interpretation guidelines (Richards et al. 2015 PMID: 25741868, with internal and published modifications).